The following is an entry in ClinVar:

ClinVar aggregate classification (germline): Pathogenic (1 of 4 stars; one submission).

Allele frequency attached by ClinVar (database versions not stated): gnomAD 0.00001; gnomAD exomes 0.00001; ExAC 0.00002; TOPMed 0.00003.
gnomAD v4.1: 6 of 1,614,108 alleles (0.00037%); highest among the groups gnomAD compares: Admixed American, 0.01%; no homozygotes.

Submission:

Labcorp Genetics (formerly Invitae), Labcorp
Classification: Pathogenic. Last evaluated: 2021-11-10. Review status: criteria provided, single submitter. Criteria: Invitae Variant Classification Sherloc (09022015). Collection method: clinical testing. Allele origin: germline.
Comment: This sequence change creates a premature translational stop signal (p.Trp618*) in the TRPM1 gene. It is expected to result in an absent or disrupted protein product. Loss-of-function variants in TRPM1 are known to be pathogenic (PMID: 19896113, 19966281, 20300565). For these reasons, this variant has been classified as Pathogenic. Algorithms developed to predict the effect of sequence changes on RNA splicing suggest that this variant may create or strengthen a splice site. This variant has not been reported in the literature in individuals affected with TRPM1-related conditions. This variant is present in population databases (rs766305562, gnomAD 0.01%).

Literature cited by the submitters: PubMed 19896113; PubMed 19966281; PubMed 20300565.

NM_001252024.2(TRPM1):c.1919G>A (p.Trp640Ter)

Gene: TRPM1 (transient receptor potential cation channel subfamily M member 1; minus strand). Cytogenetic location: 15q13.3.
Variant type: single nucleotide variant.
Coding change: c.1919G>A on transcript NM_001252024.2 (MANE Select); coding-DNA position 1919, G replaced by A.
Protein change: p.Trp640Ter; replaces tryptophan 640 with a stop codon.
Molecular consequence: nonsense.
Genome position (GRCh38, 1-based): chr15:31,042,119, C>T on the plus strand (G>A on the coding strand, the complement: TRPM1 is on the minus strand). VCF-style: chr15-31042119-C-T. GRCh37 (hg19) VCF-style: chr15-31334322-C-T.
Other names: c.1970G>A, p.Trp657Ter (NM_001252020.2); c.1853G>A, p.Trp618Ter (NM_002420.6); short protein forms W640*, W618*, W657*.
Identifiers: ClinVar variation 1368732 (VCV001368732.6), dbSNP rs766305562, ClinGen allele CA7452363.